The following is an entry in ClinVar:

ClinVar aggregate classification (germline): Uncertain significance (1 of 4 stars; one submission).

Conditions:
ALG3-congenital disorder of glycosylation. Also called: ALG3-CDG; CONGENITAL DISORDER OF GLYCOSYLATION, TYPE Id; CARBOHYDRATE-DEFICIENT GLYCOPROTEIN SYNDROME, TYPE IV; CDGS, TYPE IV; CDG Id. Identifiers: Orphanet 79321, MedGen C1832736, MONDO:0010998, OMIM 601110.

Allele frequency attached by ClinVar (database versions not stated): gnomAD exomes 0.00001; ExAC 0.00003; gnomAD 0.00003; TOPMed 0.00006; ESP Exome Variant Server 0.00008.
gnomAD v4.1: 16 of 1,613,712 alleles (0.00099%); highest among the groups gnomAD compares: African/African-American, 0.016%; no homozygotes.

Submission:

Labcorp Genetics (formerly Invitae), Labcorp
Classification: Uncertain significance for ALG3-congenital disorder of glycosylation. Last evaluated: 2022-05-04. Review status: criteria provided, single submitter. Criteria: Invitae Variant Classification Sherloc (09022015). Collection method: clinical testing. Allele origin: germline.
Comment: This sequence change affects codon 361 of the ALG3 mRNA. It is a 'silent' change, meaning that it does not change the encoded amino acid sequence of the ALG3 protein. This variant is present in population databases (rs374164530, gnomAD 0.01%). This variant has not been reported in the literature in individuals affected with ALG3-related conditions. Algorithms developed to predict the effect of sequence changes on RNA splicing suggest that this variant may disrupt the consensus splice site. In summary, the available evidence is currently insufficient to determine the role of this variant in disease. Therefore, it has been classified as a Variant of Uncertain Significance.

NM_005787.6(ALG3):c.1083C>T (p.Tyr361=)

Gene: ALG3 (ALG3 alpha-1,3- mannosyltransferase; minus strand). Cytogenetic location: 3q27.1.
Variant type: single nucleotide variant.
Coding change: c.1083C>T on transcript NM_005787.6 (MANE Select); coding-DNA position 1083, C replaced by T.
Protein change: p.Tyr361=; no amino-acid change (tyrosine 361 retained).
Molecular consequence: synonymous variant. On other transcripts: non-coding transcript variant (2).
Genome position (GRCh38, 1-based): chr3:184,242,884, G>A on the plus strand (C>T on the coding strand, the complement: ALG3 is on the minus strand). VCF-style: chr3-184242884-G-A. GRCh37 (hg19) VCF-style: chr3-183960672-G-A.
Other names: c.939C>T, p.Tyr313= (NM_001006941.2); c.978C>T, p.Tyr326= (NM_001006942.1).
Identifiers: ClinVar variation 2058076 (VCV002058076.4), dbSNP rs374164530, ClinGen allele CA2729325.
Genomic context (GRCh38, chr3:184,242,884, plus strand): 5'-TGTGAGCCAGCGTGCAGGCATGGCCCACAGGAGGTAGGGCAGTGTGTGGAAATACCAGAC[G>A]TAGAACTGGTAGTGGAGGGAGCGGCTGAAGCAGATGCCAATGAAGTTGGAGGTGAAGAGG-3'
Protein context (NP_005778.1, residues 351-371): CFSRSLHYQF[Tyr361=]VWYFHTLPYL